The following is an entry in ClinVar:

NM_004999.4(MYO6):c.*3914T>C

Gene: MYO6 (myosin VI; plus strand). Cytogenetic location: 6q14.1.
Variant type: single nucleotide variant.
Coding change: c.*3914T>C on transcript NM_004999.4 (MANE Select); 3914 bases downstream of the stop codon, T replaced by C.
Molecular consequence: 3 prime UTR variant. On other transcripts: non-coding transcript variant (1).
Genome position (GRCh38, 1-based): chr6:75,918,926, T>C. VCF-style: chr6-75918926-T-C. GRCh37 (hg19) VCF-style: chr6-76628643-T-C.
Other names: c.*3914T>C (NM_001300899.2, NM_001368136.1, NM_001368137.1 and 3 more transcripts).
Identifiers: ClinVar variation 908181 (VCV000908181.4), dbSNP rs541767003, ClinGen allele CA141063849.

ClinVar aggregate classification (germline): Conflicting classifications of pathogenicity. Review status: criteria provided, conflicting classifications (1 of 4 stars). 2 submissions from 1 submitter: Uncertain significance (1); Benign (1). Last evaluated 2018-01-12.

Conditions:
Autosomal recessive nonsyndromic hearing loss 37. Identifiers: Orphanet 90636, MedGen C1843028, MONDO:0011912, OMIM 607821.
Autosomal dominant nonsyndromic hearing loss 22. Also called: Autosomal dominant nonsyndromic deafness 22; DFNA 22. Identifiers: Orphanet 228012, MedGen C2931767, MONDO:0011660, OMIM 606346.

Allele frequency attached by ClinVar (database versions not stated): TOPMed 0.00207; gnomAD 0.00217 and 0.00228; 1000 Genomes Project 0.00300; 1000 Genomes Project 30x 0.00344.

Submissions (2):

Illumina Laboratory Services, Illumina
Classification: Uncertain significance for Autosomal recessive nonsyndromic hearing loss 37. Last evaluated: 2018-01-12. Review status: criteria provided, single submitter. Criteria: ICSL Variant Classification Criteria 13 December 2019. Collection method: clinical testing. Allele origin: germline.

Illumina Laboratory Services, Illumina
Classification: Benign for Autosomal dominant nonsyndromic hearing loss 22. Last evaluated: 2018-01-12. Review status: criteria provided, single submitter. Criteria: ICSL Variant Classification Criteria 13 December 2019. Collection method: clinical testing. Allele origin: germline.
Comment: This variant was observed in the ICSL laboratory as part of a predisposition screen in an ostensibly healthy population. It had not been previously curated by ICSL or reported in the Human Gene Mutation Database (HGMD: prior to June 1st, 2018), and was therefore a candidate for classification through an automated scoring system. Utilizing variant allele frequency, disease prevalence and penetrance estimates, and inheritance mode, an automated score was calculated to assess if this variant is too frequent to cause the disease. Based on the score and internal cut-off values, a variant classified as benign is not then subjected to further curation. The score for this variant resulted in a classification of benign for this disease.